The following is an entry in ClinVar:

NM_000292.3(PHKA2):c.1655C>T (p.Thr552Ile)

Gene: PHKA2 (phosphorylase kinase regulatory subunit alpha 2; minus strand). Cytogenetic location: Xp22.13.
Variant type: single nucleotide variant.
Coding change: c.1655C>T on transcript NM_000292.3 (MANE Select); coding-DNA position 1655, C replaced by T.
Protein change: p.Thr552Ile; replaces threonine 552 with isoleucine.
Molecular consequence: missense variant.
Genome position (GRCh38, 1-based): chrX:18,924,440, G>A on the plus strand (C>T on the coding strand, the complement: PHKA2 is on the minus strand). VCF-style: chrX-18924440-G-A. GRCh37 (hg19) VCF-style: chrX-18942558-G-A.
Other names: c.1655C>T (NM_000292.2); short protein forms T552I.
Identifiers: ClinVar variation 2150857 (VCV002150857.6), dbSNP rs145880509, ClinGen allele CA10361829.

ClinVar aggregate classification (germline): Uncertain significance. Review status: criteria provided, multiple submitters, no conflicts (2 of 4 stars). 2 submissions from 2 submitters: Uncertain significance (2). Last evaluated 2023-08-02.

Conditions:
Inborn genetic diseases. Identifiers: MedGen C0950123, MeSH D030342.
Glycogen storage disease IXa1. Also called: GLYCOGEN STORAGE DISEASE VIII; GSD VIII; LIVER GLYCOGENOSIS, X-LINKED, TYPE I; Glycogen storage disease 8. Identifiers: Orphanet 264580, MedGen C3694531, MONDO:0010598, OMIM 306000.

Allele frequency attached by ClinVar (database versions not stated): ExAC 0.00001; gnomAD exomes 0.00001; gnomAD 0.00007; TOPMed 0.00008; ESP Exome Variant Server 0.00009.

Submissions (2):

Ambry Genetics
Classification: Uncertain significance for Inborn genetic diseases. Last evaluated: 2023-08-02. Review status: criteria provided, single submitter. Criteria: Ambry Variant Classification Scheme 2023. Collection method: clinical testing. Allele origin: germline.

Labcorp Genetics (formerly Invitae), Labcorp
Classification: Uncertain significance for Glycogen storage disease IXa1. Last evaluated: 2023-04-29. Review status: criteria provided, single submitter. Criteria: Invitae Variant Classification Sherloc (09022015). Collection method: clinical testing. Allele origin: germline.
Comment: In summary, the available evidence is currently insufficient to determine the role of this variant in disease. Therefore, it has been classified as a Variant of Uncertain Significance. Advanced modeling of protein sequence and biophysical properties (such as structural, functional, and spatial information, amino acid conservation, physicochemical variation, residue mobility, and thermodynamic stability) performed at Invitae indicates that this missense variant is not expected to disrupt PHKA2 protein function. ClinVar contains an entry for this variant (Variation ID: 2150857). This variant has not been reported in the literature in individuals affected with PHKA2-related conditions. The frequency data for this variant in the population databases is considered unreliable, as metrics indicate poor data quality at this position in the gnomAD database. This sequence change replaces threonine, which is neutral and polar, with isoleucine, which is neutral and non-polar, at codon 552 of the PHKA2 protein (p.Thr552Ile).